The following is an entry in ClinVar:

NM_000553.6(WRN):c.605A>T (p.Lys202Ile)

Gene: WRN (WRN RecQ like helicase; plus strand). Cytogenetic location: 8p12.
Variant type: single nucleotide variant.
Coding change: c.605A>T on transcript NM_000553.6 (MANE Select); coding-DNA position 605, A replaced by T.
Protein change: p.Lys202Ile; replaces lysine 202 with isoleucine.
Molecular consequence: missense variant.
Genome position (GRCh38, 1-based): chr8:31,067,133, A>T. VCF-style: chr8-31067133-A-T. GRCh37 (hg19) VCF-style: chr8-30924649-A-T.
Other names: short protein forms K202I.
Identifiers: ClinVar variation 1388886 (VCV001388886.8), dbSNP rs1205560435, ClinGen allele CA370916247.

ClinVar aggregate classification (germline): Uncertain significance (1 of 4 stars; one submission).

Conditions:
Werner syndrome (WRN). Identifiers: Orphanet 902, MedGen C0043119, MONDO:0010196, OMIM 277700.

Allele frequency attached by ClinVar (database versions not stated): gnomAD exomes below 0.00001.
gnomAD v4.1: 1 of 1,613,934 alleles (0.000062%); highest among the groups gnomAD compares: Admixed American, 0.0017%; no homozygotes.

Submission:

Labcorp Genetics (formerly Invitae), Labcorp
Classification: Uncertain significance for Werner syndrome. Last evaluated: 2021-06-02. Review status: criteria provided, single submitter. Criteria: Invitae Variant Classification Sherloc (09022015). Collection method: clinical testing. Allele origin: germline.
Comment: In summary, the available evidence is currently insufficient to determine the role of this variant in disease. Therefore, it has been classified as a Variant of Uncertain Significance. Algorithms developed to predict the effect of missense changes on protein structure and function are either unavailable or do not agree on the potential impact of this missense change (SIFT: "Not Available"; PolyPhen-2: "Benign"; Align-GVGD: "Not Available"). This sequence change replaces lysine with isoleucine at codon 202 of the WRN protein (p.Lys202Ile). The lysine residue is weakly conserved and there is a moderate physicochemical difference between lysine and isoleucine. This variant is not present in population databases (ExAC no frequency). This variant has not been reported in the literature in individuals with WRN-related conditions.